The following is an entry in ClinVar:

NM_001372.4(DNAH9):c.4018G>T (p.Ala1340Ser)

Gene: DNAH9 (dynein axonemal heavy chain 9; plus strand). Cytogenetic location: 17p12.
Variant type: single nucleotide variant.
Coding change: c.4018G>T on transcript NM_001372.4 (MANE Select); coding-DNA position 4018, G replaced by T.
Protein change: p.Ala1340Ser; replaces alanine 1340 with serine.
Molecular consequence: missense variant.
Genome position (GRCh38, 1-based): chr17:11,689,840, G>T. VCF-style: chr17-11689840-G-T. GRCh37 (hg19) VCF-style: chr17-11593157-G-T.
Other names: short protein forms A1340S.
Identifiers: ClinVar variation 4761572 (VCV004761572.1).
Genomic context (GRCh38, chr17:11,689,840, plus strand): 5'-GAGACCACACCCTGGAGGAATATCAACGTGGAAGCCATGGAGTTGGAGTGCAAACAGTTT[G>T]CCCGGCATATCCGAAACCTGGACAAGGAGGTCAGGGCCTGGGATGCATTCACAGGCCTGG-3'
Protein context (NP_001363.2, residues 1330-1350): EAMELECKQF[Ala1340Ser]RHIRNLDKEV

ClinVar aggregate classification (germline): Uncertain significance (1 of 4 stars; one submission).

gnomAD v4.1: 1 of 1,612,854 alleles (0.000062%); highest among the groups gnomAD compares: Non-Finnish European, 0.000085%; no homozygotes.

Submission:

Labcorp Genetics (formerly Invitae), Labcorp
Classification: Uncertain significance. Last evaluated: 2025-11-27. Review status: criteria provided, single submitter. Criteria: Invitae Variant Classification Sherloc (09022015). Collection method: clinical testing. Allele origin: germline.
Comment: This sequence change replaces alanine, which is neutral and non-polar, with serine, which is neutral and polar, at codon 1340 of the DNAH9 protein (p.Ala1340Ser). The frequency data for this variant in the population databases is considered unreliable, as metrics indicate poor data quality at this position in the gnomAD database. This variant has not been reported in the literature in individuals affected with DNAH9-related conditions. Invitae Evidence Modeling of protein sequence and biophysical properties (such as structural, functional, and spatial information, amino acid conservation, physicochemical variation, residue mobility, and thermodynamic stability) indicates that this missense variant is not expected to disrupt DNAH9 protein function with a negative predictive value of 80%. In summary, the available evidence is currently insufficient to determine the role of this variant in disease. Therefore, it has been classified as a Variant of Uncertain Significance.